The following is an entry in ClinVar:

ClinVar aggregate classification (germline): Likely pathogenic (1 of 4 stars; one submission).

Conditions:
Acyl-CoA dehydrogenase 9 deficiency. Also called: Acyl-CoA dehydrogenase family, member 9, deficiency of; MITOCHONDRIAL COMPLEX I DEFICIENCY, NUCLEAR TYPE 20. Identifiers: Orphanet 99901, MedGen C4747517, MONDO:0012624, OMIM 611126.

Submission:

Natera, Inc.
Classification: Likely pathogenic for ACAD9 deficiency. Last evaluated: 2024-02-29. Review status: criteria provided, single submitter. Criteria: Natera Variant Classification Schema (03/2026). Collection method: clinical testing. Allele origin: germline.
Comment: The c.3delG variant in ACAD9 is predicted to result in start loss due to disruption of the initiator methionine. This variant is expected to result in nonsense mediated decay, truncation, or a dysfunctional protein product. This variant is rare in the general population with a frequency below the threshold expected for the associated phenotype(s). Given the available evidence, this variant is classified as Likely Pathogenic.

NM_014049.5(ACAD9):c.3del (p.Met1fs)

Gene: ACAD9 (acyl-CoA dehydrogenase family member 9; plus strand). Cytogenetic location: 3q21.3.
Variant type: Deletion.
Coding change: c.3del on transcript NM_014049.5 (MANE Select); coding-DNA position 3, one base deleted (G; older notation c.3delG).
Protein change: p.Met1fs; shifts the reading frame from methionine 1.
Molecular consequence: frameshift variant, initiator codon variant. On other transcripts: 5 prime UTR variant (1), non-coding transcript variant (1).
Genome position (GRCh38, 1-based): chr3:128,879,694, G deleted. VCF-style (leftmost placement, unchanged base first): chr3-128879693-TG-T. GRCh37 (hg19) VCF-style: chr3-128598536-TG-T.
Other names: c.-273del (NM_001410805.1); short protein forms M1fs.
Identifiers: ClinVar variation 4815588 (VCV004815588.1).